The following is an entry in ClinVar:

NM_001256864.2(DNAJC6):c.2456dup (p.Gln820fs)

Gene: DNAJC6 (DnaJ heat shock protein family (Hsp40) member C6; plus strand). Cytogenetic location: 1p31.3.
Variant type: Duplication.
Coding change: c.2456dup on transcript NM_001256864.2 (MANE Select); coding-DNA position 2456, one base duplicated (G; older notation c.2456dupG).
Protein change: p.Gln820fs; shifts the reading frame from glutamine 820.
Molecular consequence: frameshift variant.
Genome position (GRCh38, 1-based): chr1:65,406,098, G duplicated; the last of 5 consecutive G bases (chr1:65,406,094-65,406,098); duplicating any one gives the same sequence. VCF-style (leftmost placement, unchanged base first): chr1-65406093-T-TG. GRCh37 (hg19) VCF-style: chr1-65871776-T-TG.
Other names: c.2285dup, p.Gln763fs (NM_014787.4); c.2246dup, p.Gln750fs (NM_001256865.2); short protein forms Q820fs, Q750fs, Q763fs.
Identifiers: ClinVar variation 1451316 (VCV001451316.6), dbSNP rs2101635447, ClinGen allele CA2573132565.

ClinVar aggregate classification (germline): Pathogenic (1 of 4 stars; one submission).

Conditions:
Juvenile onset Parkinson disease 19A. Also called: DNAJC6 Parkinson Disease; PARK19. Identifiers: Orphanet 391411, MedGen C3809811, MONDO:0014231, OMIM 615528.

Submission:

Labcorp Genetics (formerly Invitae), Labcorp
Classification: Pathogenic for Juvenile onset Parkinson disease 19A. Last evaluated: 2021-10-04. Review status: criteria provided, single submitter. Criteria: Invitae Variant Classification Sherloc (09022015). Collection method: clinical testing. Allele origin: germline.
Comment: For these reasons, this variant has been classified as Pathogenic. This variant has not been reported in the literature in individuals affected with DNAJC6-related conditions. This variant is not present in population databases (ExAC no frequency). This sequence change creates a premature translational stop signal (p.Gln820Profs*10) in the DNAJC6 gene. It is expected to result in an absent or disrupted protein product. Loss-of-function variants in DNAJC6 are known to be pathogenic (PMID: 22563501, 23211418, 26528954).

Literature cited by the submitters: PubMed 22563501; PubMed 23211418; PubMed 26528954.